The following is an entry in ClinVar:

ClinVar aggregate classification (germline): Uncertain significance. Review status: criteria provided, multiple submitters, no conflicts (2 of 4 stars). 2 submissions from 2 submitters: Uncertain significance (2). Last evaluated 2025-01-24.

Conditions:
Inborn genetic diseases. Identifiers: MedGen C0950123, MeSH D030342.

gnomAD v4.1: 118 of 1,613,928 alleles (0.0073%); highest among the groups gnomAD compares: African/African-American, 0.0093%; no homozygotes.

Submissions (2):

Ambry Genetics
Classification: Uncertain significance for Inborn genetic diseases. Last evaluated: 2025-01-24. Review status: criteria provided, single submitter. Criteria: Ambry Variant Classification Scheme 2023. Collection method: clinical testing. Allele origin: germline.

Labcorp Genetics (formerly Invitae), Labcorp
Classification: Uncertain significance. Last evaluated: 2025-01-01. Review status: criteria provided, single submitter. Criteria: Invitae Variant Classification Sherloc (09022015). Collection method: clinical testing. Allele origin: germline.
Comment: This sequence change replaces arginine, which is basic and polar, with glutamine, which is neutral and polar, at codon 633 of the LAMB1 protein (p.Arg633Gln). This variant is present in population databases (rs769757442, gnomAD 0.01%). This variant has not been reported in the literature in individuals affected with LAMB1-related conditions. ClinVar contains an entry for this variant (Variation ID: 1399068). An algorithm developed to predict the effect of missense changes on protein structure and function (PolyPhen-2) suggests that this variant is likely to be disruptive. In summary, the available evidence is currently insufficient to determine the role of this variant in disease. Therefore, it has been classified as a Variant of Uncertain Significance.

NM_002291.3(LAMB1):c.1898G>A (p.Arg633Gln)

Gene: LAMB1 (laminin subunit beta 1; minus strand). Cytogenetic location: 7q31.1.
Variant type: single nucleotide variant.
Coding change: c.1898G>A on transcript NM_002291.3 (MANE Select); coding-DNA position 1898, G replaced by A.
Protein change: p.Arg633Gln; replaces arginine 633 with glutamine.
Molecular consequence: missense variant.
Genome position (GRCh38, 1-based): chr7:107,961,636, C>T on the plus strand (G>A on the coding strand, the complement: LAMB1 is on the minus strand). VCF-style: chr7-107961636-C-T. GRCh37 (hg19) VCF-style: chr7-107602081-C-T.
Other names: c.1898G>A (NM_002291.2); short protein forms R633Q.
Identifiers: ClinVar variation 1399068 (VCV001399068.10), dbSNP rs769757442, ClinGen allele CA4435834.
Genomic context (GRCh38, chr7:107,961,636, plus strand): 5'-TGGTTGTCATCATCGGGGATGGTATTACCACATCGGCTGCTGGTTGGAATCCTTCCAGGT[C>T]GCTGCACTGTGATGACAGCTTTTTCCCAGTGGTCGGGTAGCTAGAATAAGAAACAAACAA-3'
Protein context (NP_002282.2, residues 623-643): HWEKAVITVQ[Arg633Gln]PGRIPTSSRC